The following is an entry in ClinVar:

ClinVar aggregate classification (germline): Uncertain significance. Review status: criteria provided, multiple submitters, no conflicts (2 of 4 stars). 3 submissions from 3 submitters: Uncertain significance (3). Last evaluated 2025-08-24.

Conditions:
Hereditary cancer-predisposing syndrome. Also called: Neoplastic Syndromes, Hereditary; Tumor predisposition; Hereditary Cancer Syndrome; Hereditary neoplastic syndrome. Identifiers: Orphanet 140162, MedGen C0027672, MeSH D009386, MONDO:0015356.

gnomAD v4.1: 1 of 1,614,084 alleles (0.000062%); highest among the groups gnomAD compares: Non-Finnish European, 0.000085%; no homozygotes.

Submissions (3):

Labcorp Genetics (formerly Invitae), Labcorp
Classification: Uncertain significance. Last evaluated: 2025-08-24. Review status: criteria provided, single submitter. Criteria: Invitae Variant Classification Sherloc (09022015). Collection method: clinical testing. Allele origin: germline.
Comment: This sequence change replaces asparagine, which is neutral and polar, with lysine, which is basic and polar, at codon 78 of the FH protein (p.Asn78Lys). This variant is not present in population databases (gnomAD no frequency). This variant has not been reported in the literature in individuals affected with FH-related conditions. ClinVar contains an entry for this variant (Variation ID: 821136). Invitae Evidence Modeling of protein sequence and biophysical properties (such as structural, functional, and spatial information, amino acid conservation, physicochemical variation, residue mobility, and thermodynamic stability) indicates that this missense variant is expected to disrupt FH protein function with a positive predictive value of 95%. In summary, the available evidence is currently insufficient to determine the role of this variant in disease. Therefore, it has been classified as a Variant of Uncertain Significance.

Ambry Genetics
Classification: Uncertain significance for Hereditary cancer-predisposing syndrome. Last evaluated: 2024-11-03. Review status: criteria provided, single submitter. Criteria: Ambry Variant Classification Scheme 2023. Collection method: clinical testing. Allele origin: germline.
Comment: The p.N78K variant (also known as c.234C>A), located in coding exon 2 of the FH gene, results from a C to A substitution at nucleotide position 234. The asparagine at codon 78 is replaced by lysine, an amino acid with similar properties. This amino acid position is highly conserved in available vertebrate species. In addition, the in silico prediction for this alteration is inconclusive. Since supporting evidence is limited at this time, the clinical significance of this alteration remains unclear.

Blueprint Genetics
Classification: Uncertain significance. Last evaluated: 2024-06-10. Review status: criteria provided, single submitter. Criteria: ACMG Guidelines, 2015. Collection method: clinical testing. Allele origin: germline.

NM_000143.4(FH):c.234C>A (p.Asn78Lys)

Gene: FH (fumarate hydratase; minus strand). Cytogenetic location: 1q43.
Variant type: single nucleotide variant.
Coding change: c.234C>A on transcript NM_000143.4 (MANE Select); coding-DNA position 234, C replaced by A.
Protein change: p.Asn78Lys; replaces asparagine 78 with lysine.
Molecular consequence: missense variant.
Genome position (GRCh38, 1-based): chr1:241,517,215, G>T on the plus strand (C>A on the coding strand, the complement: FH is on the minus strand). VCF-style: chr1-241517215-G-T. GRCh37 (hg19) VCF-style: chr1-241680515-G-T.
Other names: short protein forms N78K.
Identifiers: ClinVar variation 821136 (VCV000821136.13), dbSNP rs993218685, ClinGen allele CA40335889.